The following is an entry in ClinVar:

ClinVar aggregate classification (germline): Pathogenic. Review status: criteria provided, multiple submitters, no conflicts (2 of 4 stars). 3 submissions from 3 submitters: Pathogenic (2). 1 of the submissions does not count toward it. Last evaluated 2023-11-27.

Conditions:
PYCR1-related de Barsy syndrome. Also called: CUTIS LAXA, AUTOSOMAL RECESSIVE, TYPE IIIB; DE BARSY SYNDROME B. Identifiers: Orphanet 293633, Orphanet 2962, MedGen C3280799, MONDO:0013755, OMIM 614438.
Autosomal recessive cutis laxa type 2B (ARCL2B). Also called: CUTIS LAXA, AUTOSOMAL RECESSIVE, TYPE IIB; CUTIS LAXA WITH PROGEROID FEATURES. Identifiers: Orphanet 357064, MedGen C2751987, MONDO:0013051, OMIM 612940. Disease mechanism: loss of function.

Submissions (3):

Labcorp Genetics (formerly Invitae), Labcorp
Classification: Pathogenic. Last evaluated: 2023-11-27. Review status: criteria provided, single submitter. Criteria: Invitae Variant Classification Sherloc (09022015). Collection method: clinical testing. Allele origin: germline.
Comment: This sequence change creates a premature translational stop signal (p.Arg116Glyfs*6) in the PYCR1 gene. It is expected to result in an absent or disrupted protein product. Loss-of-function variants in PYCR1 are known to be pathogenic (PMID: 19648921). This variant is present in population databases (rs758601634, gnomAD 0.05%). This premature translational stop signal has been observed in individuals with cutis laxa (PMID: 21567914, 23406396). ClinVar contains an entry for this variant (Variation ID: 29864). For these reasons, this variant has been classified as Pathogenic.

Juno Genomics, Hangzhou Juno Genomics, Inc
Classification: Pathogenic for Autosomal recessive cutis laxa type 2B; PYCR1-related de Barsy syndrome. Review status: criteria provided, single submitter. Criteria: ACMG Guidelines, 2015. Collection method: clinical testing. Allele origin: germline.
Comment: Absent from controls (or at extremely low frequency if recessive) in Genome Aggregation Database.;Null variant in a gene where loss of function (LOF) is a known mechanism of disease.;For recessive disorders, detected in trans with a pathogenic variant.;Patient's phenotype or family history is highly specific for a disease with a single genetic etiology.

OMIM
Classification: Pathogenic for CUTIS LAXA, AUTOSOMAL RECESSIVE, TYPE IIIB. Last evaluated: 2011-12-01. Review status: no assertion criteria provided. Collection method: literature only. Allele origin: germline. Not counted in ClinVar's aggregate classification.

Literature cited by the submitters: PubMed 19648921 (cited by Labcorp Genetics (formerly Invitae), Labcorp); PubMed 21567914 (cited by Labcorp Genetics (formerly Invitae), Labcorp); PubMed 23406396 (cited by Labcorp Genetics (formerly Invitae), Labcorp); PubMed 22052856 (cited by OMIM).

NM_006907.4(PYCR1):c.345del (p.Arg116fs)

Gene: PYCR1 (pyrroline-5-carboxylate reductase 1; minus strand). Cytogenetic location: 17q25.3.
Variant type: Deletion.
Coding change: c.345del on transcript NM_006907.4 (MANE Select); coding-DNA position 345, one base deleted (C; older notation c.345delC).
Protein change: p.Arg116fs; shifts the reading frame from arginine 116.
Molecular consequence: frameshift variant.
Genome position (GRCh38, 1-based): chr17:81,935,121, G deleted on the plus strand (C on the coding strand, the reverse complement: PYCR1 is on the minus strand); the first of 5 consecutive G bases (chr17:81,935,121-81,935,125); deleting any one gives the same sequence. VCF-style (leftmost placement, unchanged base first): chr17-81935120-TG-T. GRCh37 (hg19) VCF-style: chr17-79892996-TG-T.
Other names: c.345del, p.Arg116fs (NM_001282279.2, NM_001282280.2, NM_001330523.2 and 1 more transcripts); c.426del, p.Arg143fs (NM_001282281.2); short protein forms R116fs, R143fs.
Identifiers: ClinVar variation 29864 (VCV000029864.8), dbSNP rs758601634, ClinGen allele CA128701.